The following is an entry in ClinVar:

NM_003900.5(SQSTM1):c.1005T>A (p.Asp335Glu)

Gene: SQSTM1 (sequestosome 1; plus strand). Cytogenetic location: 5q35.3.
Variant type: single nucleotide variant.
Coding change: c.1005T>A on transcript NM_003900.5 (MANE Select); coding-DNA position 1005, T replaced by A.
Protein change: p.Asp335Glu; replaces aspartic acid 335 with glutamic acid.
Molecular consequence: missense variant.
Genome position (GRCh38, 1-based): chr5:179,833,622, T>A. VCF-style: chr5-179833622-T-A. GRCh37 (hg19) VCF-style: chr5-179260622-T-A.
Other names: c.753T>A, p.Asp251Glu (NM_001142298.2, NM_001142299.2); short protein forms D251E, D335E.
Identifiers: ClinVar variation 1690409 (VCV001690409.4), dbSNP rs1274935409, ClinGen allele CA362452441.
Genomic context (GRCh38, chr5:179,833,622, plus strand): 5'-GTGCTCATGGTGAGTTTTGTTCCAGGAACAGATGGAGTCGGATAACTGTTCAGGAGGAGA[T>A]GATGACTGGACCCATCTGTCTTCAAAAGAAGTGGACCCGTCTACAGGTGAACTCCAGTCC-3'
Protein context (NP_003891.1, residues 325-345): QMESDNCSGG[Asp335Glu]DDWTHLSSKE

ClinVar aggregate classification (germline): Uncertain significance. Review status: criteria provided, multiple submitters, no conflicts (2 of 4 stars). 2 submissions from 2 submitters: Uncertain significance (2). Last evaluated 2024-02-05.

Conditions:
Frontotemporal dementia and/or amyotrophic lateral sclerosis 1 (FTDALS1). Also called: Frontotemporal dementia with motor neuron disease 1; C9orf72 Frontotemporal Dementia and/or Amyotrophic Lateral Sclerosis. Identifiers: Orphanet 275872, MedGen C5779877, MONDO:0007105, OMIM 105550.
Paget disease of bone 2, early-onset (PDB2). Also called: Paget disease of bone 2. Identifiers: MedGen C4085251, MONDO:0011183, OMIM 602080.

Allele frequency attached by ClinVar (database versions not stated): TOPMed below 0.00001.
gnomAD v4.1: 6 of 1,614,160 alleles (0.00037%); highest among the groups gnomAD compares: South Asian, 0.0022%; no homozygotes.

Submissions (2):

Labcorp Genetics (formerly Invitae), Labcorp
Classification: Uncertain significance for Paget disease of bone 2, early-onset; Frontotemporal dementia and/or amyotrophic lateral sclerosis 1. Last evaluated: 2024-02-05. Review status: criteria provided, single submitter. Criteria: Invitae Variant Classification Sherloc (09022015). Collection method: clinical testing. Allele origin: germline.
Comment: This sequence change replaces aspartic acid, which is acidic and polar, with glutamic acid, which is acidic and polar, at codon 335 of the SQSTM1 protein (p.Asp335Glu). This variant is present in population databases (no rsID available, gnomAD 0.003%). This missense change has been observed in individual(s) with Paget disease (PMID: 19067022). ClinVar contains an entry for this variant (Variation ID: 1690409). Advanced modeling of protein sequence and biophysical properties (such as structural, functional, and spatial information, amino acid conservation, physicochemical variation, residue mobility, and thermodynamic stability) performed at Invitae indicates that this missense variant is not expected to disrupt SQSTM1 protein function with a negative predictive value of 80%. In summary, the available evidence is currently insufficient to determine the role of this variant in disease. Therefore, it has been classified as a Variant of Uncertain Significance.

Laboratorio de Genetica e Diagnostico Molecular, Hospital Israelita Albert Einstein
Classification: Uncertain significance. Last evaluated: 2021-01-28. Review status: criteria provided, single submitter. Criteria: ACMG Guidelines, 2015. Collection method: clinical testing. Allele origin: germline. Affected: yes.
Comment: ACMG classification criteria: PM2

Literature cited by the submitters: PubMed 19067022 (cited by Labcorp Genetics (formerly Invitae), Labcorp).